The following is an entry in ClinVar:

ClinVar aggregate classification (germline): Pathogenic. Review status: criteria provided, multiple submitters, no conflicts (2 of 4 stars). 2 submissions from 2 submitters: Pathogenic (2). Last evaluated 2025-12-09.

Conditions:
Arrhythmogenic cardiomyopathy with wooly hair and keratoderma. Also called: PALMOPLANTAR KERATODERMA WITH LEFT VENTRICULAR CARDIOMYOPATHY AND WOOLLY HAIR; Carvajal syndrome; Dilated cardiomyopathy with woolly hair and keratoderma; Arrhythmogenic cardiomyopathy with woolly hair and keratoderma. Identifiers: Orphanet 65282, MedGen C1854063, MONDO:0011581, OMIM 605676.
Arrhythmogenic right ventricular dysplasia 8 (ARVD8). Also called: ARRHYTHMOGENIC RIGHT VENTRICULAR DYSPLASIA, FAMILIAL, 8; ARRHYTHMOGENIC RIGHT VENTRICULAR CARDIOMYOPATHY 8; Arrhythmogenic Right Ventricular Dysplasia/Cardiomyopathy 8. Identifiers: MedGen C1843896, MONDO:0011831, OMIM 607450.

Submissions (2):

Labcorp Genetics (formerly Invitae), Labcorp
Classification: Pathogenic for Arrhythmogenic cardiomyopathy with wooly hair and keratoderma; Arrhythmogenic right ventricular dysplasia 8. Last evaluated: 2025-12-09. Review status: criteria provided, single submitter. Criteria: Invitae Variant Classification Sherloc (09022015). Collection method: clinical testing. Allele origin: germline.
Comment: This sequence change creates a premature translational stop signal (p.Asn1865Glufs*15) in the DSP gene. While this is not anticipated to result in nonsense mediated decay, it is expected to disrupt the last 1007 amino acid(s) of the DSP protein. This variant is not present in population databases (gnomAD no frequency). This variant has not been reported in the literature in individuals affected with DSP-related conditions. This variant disrupts a region of the DSP protein in which other variant(s) (p.Glu2728Glyfs*11) have been determined to be pathogenic (internal data). This suggests that this is a clinically significant region of the protein, and that variants that disrupt it are likely to be disease-causing. For these reasons, this variant has been classified as Pathogenic.

Hadassah Hebrew University Medical Center
Classification: Pathogenic for Arrhythmogenic right ventricular dysplasia 8. Review status: criteria provided, single submitter. Criteria: ACMG Guidelines, 2015. Collection method: research. Allele origin: germline. Affected: no. Observed: 1 variant allele.

NM_004415.4(DSP):c.5592dup (p.Asn1865fs)

Gene: DSP (desmoplakin; plus strand). Cytogenetic location: 6p24.3.
Variant type: Duplication.
Coding change: c.5592dup on transcript NM_004415.4 (MANE Select); coding-DNA position 5592, one base duplicated (G; older notation c.5592dupG).
Protein change: p.Asn1865fs; shifts the reading frame from asparagine 1865.
Molecular consequence: frameshift variant.
Genome position (GRCh38, 1-based): chr6:7,582,854, G duplicated. VCF-style (leftmost placement, unchanged base first): chr6-7582853-T-TG. GRCh37 (hg19) VCF-style: chr6-7583086-T-TG.
Other names: c.3795dup, p.Asn1266fs (NM_001008844.3); c.4263dup, p.Asn1422fs (NM_001319034.2); short protein forms N1865fs, N1422fs, N1266fs.
Identifiers: ClinVar variation 4791556 (VCV004791556.2).
Genomic context (GRCh38, chr6:7,582,853, plus strand): 5'-AGGCAGAAACCAGGGTGAAACAGCGCCTGGAGTGTGAGAAACAGCAAATTCAGAATGACC[T>TG]GAATCAGTGGAAGACTCAATATTCCCGCAAGGAGGAGGCTATTAGGAAGATAGAATCGGA-3'